The following is an entry in ClinVar:

NM_014363.6(SACS):c.476A>G (p.Tyr159Cys)

Gene: SACS (sacsin molecular chaperone; minus strand). Cytogenetic location: 13q12.12.
Variant type: single nucleotide variant.
Coding change: c.476A>G on transcript NM_014363.6 (MANE Select); coding-DNA position 476, A replaced by G.
Protein change: p.Tyr159Cys; replaces tyrosine 159 with cysteine.
Molecular consequence: missense variant.
Genome position (GRCh38, 1-based): chr13:23,358,463, T>C on the plus strand (A>G on the coding strand, the complement: SACS is on the minus strand). VCF-style: chr13-23358463-T-C. GRCh37 (hg19) VCF-style: chr13-23932602-T-C.
Other names: c.35A>G, p.Tyr12Cys (NM_001278055.2); c.476A>G, p.Tyr159Cys (NM_001437336.1); short protein forms Y159C, Y12C.
Identifiers: ClinVar variation 5003163 (VCV005003163.1).

ClinVar aggregate classification (germline): Uncertain significance (1 of 4 stars; one submission).

Conditions:
Charlevoix-Saguenay spastic ataxia (SACS). Also called: SPASTIC ATAXIA 6, AUTOSOMAL RECESSIVE; AUTOSOMAL RECESSIVE SPASTIC ATAXIA OF CHARLEVOIX-SAGUENAY; Spastic ataxia of Charlevoix-Saguenay. Identifiers: Orphanet 98, MedGen C1849140, MONDO:0010041, OMIM 270550.

Submission:

OLLIN Analises Genomicas, OLLIN
Classification: Uncertain significance for Charlevoix-Saguenay spastic ataxia. Last evaluated: 2026-08-06. Review status: criteria provided, single submitter. Criteria: ACMG Guidelines 2015 PMID 25741868. Collection method: clinical testing. Allele origin: germline.
Comment: This missense variant, located in exon 7 (of 10), is absent from gnomAD and ClinVar and has not been identified in the literature. In silico analysis predicts that this variant has a deleterious effect. According to the currently available evidence, this variant has been classified as uncertain significance (PM2_P, PP3_M).